The following is an entry in ClinVar:

NM_020964.3(EPG5):c.5617G>T (p.Glu1873Ter)

Gene: EPG5 (ectopic P-granules 5 autophagy tethering factor; minus strand). Cytogenetic location: 18q12.3.
Variant type: single nucleotide variant.
Coding change: c.5617G>T on transcript NM_020964.3 (MANE Select); coding-DNA position 5617, G replaced by T.
Protein change: p.Glu1873Ter; replaces glutamic acid 1873 with a stop codon.
Molecular consequence: nonsense.
Genome position (GRCh38, 1-based): chr18:45,880,125, C>A on the plus strand (G>T on the coding strand, the complement: EPG5 is on the minus strand). VCF-style: chr18-45880125-C-A. GRCh37 (hg19) VCF-style: chr18-43460090-C-A.
Other names: short protein forms E1873*.
Identifiers: ClinVar variation 1444421 (VCV001444421.7), dbSNP rs370720753, ClinGen allele CA299712109.

ClinVar aggregate classification (germline): Pathogenic (1 of 4 stars; one submission).

Conditions:
Vici syndrome (VICIS). Identifiers: Orphanet 1493, MedGen C1855772, MONDO:0009452, OMIM 242840.

Allele frequency attached by ClinVar (database versions not stated): ESP Exome Variant Server 0.00008.

Submission:

Labcorp Genetics (formerly Invitae), Labcorp
Classification: Pathogenic for Vici syndrome. Last evaluated: 2024-10-28. Review status: criteria provided, single submitter. Criteria: Invitae Variant Classification Sherloc (09022015). Collection method: clinical testing. Allele origin: germline.
Comment: This sequence change creates a premature translational stop signal (p.Glu1873*) in the EPG5 gene. It is expected to result in an absent or disrupted protein product. Loss-of-function variants in EPG5 are known to be pathogenic (PMID: 23222957, 23674064). This variant is not present in population databases (gnomAD no frequency). This variant has not been reported in the literature in individuals affected with EPG5-related conditions. ClinVar contains an entry for this variant (Variation ID: 1444421). For these reasons, this variant has been classified as Pathogenic.

Literature cited by the submitters: PubMed 23222957; PubMed 23674064.